The following is an entry in ClinVar:

ClinVar aggregate classification (germline): Likely pathogenic. Review status: reviewed by expert panel (3 of 4 stars). 3 submissions from 3 submitters: Likely pathogenic (1). 2 of the submissions do not count toward it. Last evaluated 2020-01-26.

Conditions:
Phenylketonuria (PKU). Also called: OLIGOPHRENIA PHENYLPYRUVICA; Phenylketonurias; FOLLING DISEASE; Phenylketonuria (PKU). Identifiers: Orphanet 716, MedGen C0031485, MONDO:0009861, OMIM 261600. Disease mechanism: loss of function.

Allele frequency attached by ClinVar (database versions not stated): gnomAD exomes 0.00001.
gnomAD v4.1: 3 of 1,613,770 alleles (0.00019%); highest among the groups gnomAD compares: Non-Finnish European, 0.00025%; no homozygotes.

Submissions (3):

ClinGen PAH Variant Curation Expert Panel
Classification: Likely pathogenic for Phenylketonuria. Last evaluated: 2020-01-26. Review status: reviewed by expert panel. Criteria: ClinGen PAH ACMG Specifications v1. Collection method: curation. Allele origin: germline. Inheritance: Autosomal recessive inheritance.
Comment: The c.461A>T (p.Tyr154Phe) variant in PAH has been reported in 3 individuals with PKU (BH4 deficiency excluded). (PMID: 24368688, 31332730). This variant is absent in population databases (PM2). This variant was detected with pathogenic variant c.1315+1G>A (IVS12+1G>A) (PMID: 24368688). Computational evidence supports a deleterious effect. In summary, this variant meets criteria to be classified as likely pathogenic for PAH. PAH-specific ACMG/AMP criteria applied: PP4_Moderate, PM2, PM3_supporting, PP3.

Labcorp Genetics (formerly Invitae), Labcorp
Classification: Pathogenic for Phenylketonuria. Last evaluated: 2023-10-08. Review status: criteria provided, single submitter. Criteria: Invitae Variant Classification Sherloc (09022015). Collection method: clinical testing. Allele origin: germline. Not counted in ClinVar's aggregate classification.
Comment: This sequence change replaces tyrosine, which is neutral and polar, with phenylalanine, which is neutral and non-polar, at codon 154 of the PAH protein (p.Tyr154Phe). This variant is not present in population databases (gnomAD no frequency). This missense change has been observed in individual(s) with phenylketonuria (PMID: 24368688, 31332730). ClinVar contains an entry for this variant (Variation ID: 619705). Advanced modeling of protein sequence and biophysical properties (such as structural, functional, and spatial information, amino acid conservation, physicochemical variation, residue mobility, and thermodynamic stability) performed at Invitae indicates that this missense variant is expected to disrupt PAH protein function. This variant disrupts the p.Tyr154 amino acid residue in PAH. Other variant(s) that disrupt this residue have been determined to be pathogenic (PMID: 17397052, 24767306, 25725806, 26892377, 30199612). This suggests that this residue is clinically significant, and that variants that disrupt this residue are likely to be disease-causing. For these reasons, this variant has been classified as Pathogenic.

Quest Diagnostics Nichols Institute San Juan Capistrano
Classification: Likely pathogenic. Last evaluated: 2018-01-14. Review status: criteria provided, single submitter. Criteria: Quest Diagnostics criteria. Collection method: clinical testing. Allele origin: germline. Not counted in ClinVar's aggregate classification.

Literature cited by the submitters: PubMed 31332730 (cited by ClinGen PAH Variant Curation Expert Panel and Labcorp Genetics (formerly Invitae), Labcorp); PubMed 24368688 (cited by ClinGen PAH Variant Curation Expert Panel and Labcorp Genetics (formerly Invitae), Labcorp); PubMed 17397052 (cited by Labcorp Genetics (formerly Invitae), Labcorp); PubMed 24767306 (cited by Labcorp Genetics (formerly Invitae), Labcorp); PubMed 25725806 (cited by Labcorp Genetics (formerly Invitae), Labcorp); PubMed 26892377 (cited by Labcorp Genetics (formerly Invitae), Labcorp); PubMed 30199612 (cited by Labcorp Genetics (formerly Invitae), Labcorp).

NM_000277.3(PAH):c.461A>T (p.Tyr154Phe)

Gene: PAH (phenylalanine hydroxylase; minus strand). Cytogenetic location: 12q23.2.
Variant type: single nucleotide variant.
Coding change: c.461A>T on transcript NM_000277.3 (MANE Select); coding-DNA position 461, A replaced by T.
Protein change: p.Tyr154Phe; replaces tyrosine 154 with phenylalanine.
Molecular consequence: missense variant.
Genome position (GRCh38, 1-based): chr12:102,866,644, T>A on the plus strand (A>T on the coding strand, the complement: PAH is on the minus strand). VCF-style: chr12-102866644-T-A. GRCh37 (hg19) VCF-style: chr12-103260422-T-A.
Other names: c.461A>T, p.Tyr154Phe (NM_001354304.2); short protein forms Y154F.
Identifiers: ClinVar variation 619705 (VCV000619705.6), dbSNP rs1565853526, ClinGen allele CA16020795.